The following is an entry in ClinVar:

ClinVar aggregate classification (germline): Uncertain significance. Review status: criteria provided, multiple submitters, no conflicts (2 of 4 stars). 2 submissions from 2 submitters: Uncertain significance (2). Last evaluated 2023-03-13.

Allele frequency attached by ClinVar (database versions not stated): gnomAD exomes below 0.00001 and 0.00001; ExAC 0.00001; gnomAD 0.00001.
gnomAD v4.1: 5 of 1,614,078 alleles (0.00031%); highest among the groups gnomAD compares: Admixed American, 0.0033%; no homozygotes.

Submissions (2):

GeneDx
Classification: Uncertain significance. Last evaluated: 2023-03-13. Review status: criteria provided, single submitter. Criteria: GeneDx Variant Classification Process June 2021. Collection method: clinical testing. Allele origin: germline. Affected: yes.
Comment: Not observed at significant frequency in large population cohorts (gnomAD); In silico analysis supports that this missense variant does not alter protein structure/function; Has not been previously published as pathogenic or benign to our knowledge

Laboratory for Molecular Medicine, Mass General Brigham Personalized Medicine
Classification: Uncertain significance. Last evaluated: 2013-08-19. Review status: criteria provided, single submitter. Criteria: LMM Criteria. Collection method: clinical testing. Allele origin: germline. Observed: 1 variant allele.
Comment: The Ser85Cys variant in TJP2 has not been reported in individuals with hearing l oss or in large population studies. The serine (Ser) residue at position 85 is n ot highly conserved across species, with lizard, frog and three fish species ha ving a cysteine (Cys) at this position. In summary, additional information is n eeded to determine the clinical significance of this variant; however, we lean t owards a more likely benign role.

NM_004817.4(TJP2):c.322A>T (p.Ser108Cys)

Gene: TJP2 (tight junction protein 2; plus strand). Cytogenetic location: 9q21.11.
Variant type: single nucleotide variant.
Coding change: c.322A>T on transcript NM_004817.4 (MANE Select); coding-DNA position 322, A replaced by T.
Protein change: p.Ser108Cys; replaces serine 108 with cysteine.
Molecular consequence: missense variant.
Genome position (GRCh38, 1-based): chr9:69,218,339, A>T. VCF-style: chr9-69218339-A-T. GRCh37 (hg19) VCF-style: chr9-71833255-A-T.
Other names: c.253A>T, p.Ser85Cys (NM_001170414.2, NM_001369870.1, NM_001369871.1); c.334A>T, p.Ser112Cys (NM_001170415.1, NM_001369874.1, NM_001369875.1); c.415A>T, p.Ser139Cys (NM_001170416.2); c.322A>T, p.Ser108Cys (NM_001369872.1, NM_001369873.1, NM_201629.3); c.322A>T (NM_004817.3); short protein forms S108C, S85C, S112C, S139C.
Identifiers: ClinVar variation 179149 (VCV000179149.6), dbSNP rs727504668, ClinGen allele CA183813.